The following is an entry in ClinVar:

ClinVar aggregate classification (germline): Likely pathogenic (1 of 4 stars; one submission).

Conditions:
Lynch syndrome 4 (LYNCH4). Also called: Hereditary non-polyposis colorectal cancer, type 4; Colorectal cancer, hereditary nonpolyposis, type 4. Identifiers: Orphanet 144, MedGen C1838333, MONDO:0013699, OMIM 614337. Disease mechanism: loss of function.

Submission:

Juno Genomics, Hangzhou Juno Genomics, Inc
Classification: Likely pathogenic for Lynch syndrome 4. Review status: criteria provided, single submitter. Criteria: ACMG Guidelines, 2015. Collection method: clinical testing. Allele origin: germline.
Comment: Absent from controls (or at extremely low frequency if recessive) in Genome Aggregation Database.;Null variant in a gene where loss of function (LOF) is a known mechanism of disease.

NM_000535.7(PMS2):c.2324dup (p.Asn775fs)

Gene: PMS2 (PMS1 homolog 2, mismatch repair system component; minus strand). Cytogenetic location: 7p22.1.
Variant type: Duplication.
Coding change: c.2324dup on transcript NM_000535.7 (MANE Select); coding-DNA position 2324, one base duplicated (A; older notation c.2324dupA).
Protein change: p.Asn775fs; shifts the reading frame from asparagine 775.
Molecular consequence: frameshift variant. On other transcripts: non-coding transcript variant (1).
Genome position (GRCh38, 1-based): chr7:5,977,709, T duplicated on the plus strand (A on the coding strand, the reverse complement: PMS2 is on the minus strand); the first of 5 consecutive T bases (chr7:5,977,709-5,977,713); duplicating any one gives the same sequence. VCF-style (leftmost placement, unchanged base first): chr7-5977708-G-GT. GRCh37 (hg19) VCF-style: chr7-6017339-G-GT.
Other names: c.2216dup, p.Asn739fs (NM_001406869.1); c.2201dup, p.Asn734fs (NM_001406870.1); c.2180dup, p.Asn727fs (NM_001406871.1); c.2156dup, p.Asn719fs (NM_001406872.1, NM_001406874.1); c.2126dup, p.Asn709fs (NM_001406873.1); c.2048dup, p.Asn683fs (NM_001406875.1); c.2039dup, p.Asn680fs (NM_001406876.1); c.2015dup, p.Asn672fs (NM_001406877.1, NM_001406878.1, NM_001322015.2 and 4 more transcripts); and 20 more; short protein forms N374fs, N464fs, N518fs, N536fs, N584fs, N588fs, N604fs, N613fs.
Identifiers: ClinVar variation 3382250 (VCV003382250.3).